The following is an entry in ClinVar:

NM_001164508.2(NEB):c.12984T>G (p.Tyr4328Ter)

Gene: NEB (nebulin; minus strand). Cytogenetic location: 2q23.3.
Variant type: single nucleotide variant.
Coding change: c.12984T>G on transcript NM_001164508.2 (MANE Select); coding-DNA position 12984, T replaced by G.
Protein change: p.Tyr4328Ter; replaces tyrosine 4328 with a stop codon.
Molecular consequence: nonsense. On other transcripts: intron variant (1).
Genome position (GRCh38, 1-based): chr2:151,604,635, A>C on the plus strand (T>G on the coding strand, the complement: NEB is on the minus strand). VCF-style: chr2-151604635-A-C. GRCh37 (hg19) VCF-style: chr2-152461149-A-C.
Other names: c.12984T>G, p.Tyr4328Ter (NM_001164507.2, NM_001271208.2); c.11601+5174T>G (NM_004543.5); short protein forms Y4328*.
Identifiers: ClinVar variation 2855763 (VCV002855763.3), dbSNP rs2552224090, ClinGen allele CA348772981.

ClinVar aggregate classification (germline): Pathogenic (1 of 4 stars; one submission).

Conditions:
Nemaline myopathy 2 (NEM2). Also called: Nemaline myopathy 2, autosomal recessive. Identifiers: MedGen C1850569, MONDO:0009725, OMIM 256030.

Submission:

Labcorp Genetics (formerly Invitae), Labcorp
Classification: Pathogenic for Nemaline myopathy 2. Last evaluated: 2023-04-12. Review status: criteria provided, single submitter. Criteria: Invitae Variant Classification Sherloc (09022015). Collection method: clinical testing. Allele origin: germline.
Comment: This variant occurs in a region of NEB (Exons 82-105) consisting of three highly homologous 8-exon repeat units (exons 82-89, exons 90-97, exons 98-105). Sequence variants in this region can be detected, but this assay cannot determine which of the three repeat units is affected, and zygosity is often ambiguous. All variants in this region are reported relative to the exon 82-89 repeat. For these reasons, this variant has been classified as Pathogenic. This variant has not been reported in the literature in individuals affected with NEB-related conditions. The frequency data for this variant in the population databases (gnomAD) is considered unreliable due to the presence of homologous sequence, such as pseudogenes or paralogs, in the genome. This sequence change creates a premature translational stop signal (p.Tyr4328*) in the NEB gene. It is expected to result in an absent or disrupted protein product. Loss-of-function variants in NEB are known to be pathogenic (PMID: 25205138).

Literature cited by the submitters: PubMed 25205138.